The following is an entry in ClinVar:

NM_000090.4(COL3A1):c.3254C>T (p.Pro1085Leu)

Gene: COL3A1 (collagen type III alpha 1 chain; plus strand). Cytogenetic location: 2q32.2.
Variant type: single nucleotide variant.
Coding change: c.3254C>T on transcript NM_000090.4 (MANE Select); coding-DNA position 3254, C replaced by T.
Protein change: p.Pro1085Leu; replaces proline 1085 with leucine.
Molecular consequence: missense variant.
Genome position (GRCh38, 1-based): chr2:189,006,989, C>T. VCF-style: chr2-189006989-C-T. GRCh37 (hg19) VCF-style: chr2-189871715-C-T.
Other names: short protein forms P1085L.
Identifiers: ClinVar variation 5017223 (VCV005017223.1).

ClinVar aggregate classification (germline): Uncertain significance (1 of 4 stars; one submission).

Submission:

GeneDx
Classification: Uncertain significance. Last evaluated: 2026-03-22. Review status: criteria provided, single submitter. Criteria: GeneDx Variant Classification Process June 2021. Collection method: clinical testing. Allele origin: germline.
Comment: Not observed at significant frequency in large population cohorts (gnomAD); In silico analysis supports that this missense variant has a deleterious effect on protein structure/function; Has not been previously published as pathogenic or benign to our knowledge; Occurs in the triple helical domain at the Y position in the canonical Gly-X-Y repeat; although this variant may have an effect on normal protein folding and function, missense substitution at the Y position is not a common mechanism of disease (HGMD)